The following is an entry in ClinVar:

NM_000478.6(ALPL):c.575T>C (p.Met192Thr)

Gene: ALPL (alkaline phosphatase, biomineralization associated; plus strand). Cytogenetic location: 1p36.12.
Variant type: single nucleotide variant.
Coding change: c.575T>C on transcript NM_000478.6 (MANE Select); coding-DNA position 575, T replaced by C.
Protein change: p.Met192Thr; replaces methionine 192 with threonine.
Molecular consequence: missense variant.
Genome position (GRCh38, 1-based): chr1:21,564,143, T>C. VCF-style: chr1-21564143-T-C. GRCh37 (hg19) VCF-style: chr1-21890636-T-C.
Other names: c.410T>C, p.Met137Thr (NM_001127501.4); c.344T>C, p.Met115Thr (NM_001177520.3); c.575T>C, p.Met192Thr (NM_001369803.2, NM_001369804.2, NM_001369805.2); short protein forms M137T, M192T, M115T.
Identifiers: ClinVar variation 968006 (VCV000968006.33), dbSNP rs765011829, ClinGen allele CA666534.
Genomic context (GRCh38, chr1:21,564,143, plus strand): 5'-CCACCCCCAGCGCCGCCTACGCCCACTCGGCTGACCGGGACTGGTACTCAGACAACGAGA[T>C]GCCCCCTGAGGCCTTGAGCCAGGGCTGTAAGGACATCGCCTACCAGCTCATGCATAACAT-3'
Protein context (NP_000469.3, residues 182-202): ADRDWYSDNE[Met192Thr]PPEALSQGCK

ClinVar aggregate classification (germline): Pathogenic/Likely pathogenic. Review status: criteria provided, multiple submitters, no conflicts (2 of 4 stars). 15 submissions from 15 submitters: Pathogenic (6); Likely pathogenic (9). Last evaluated 2026-05-05.

Conditions:
Hypophosphatasia. Also called: Phosphoethanol-aminuria. Identifiers: Orphanet 436, MedGen C0020630, MeSH D007014, MONDO:0018570.
Hypophosphataemia or rickets.
Inborn genetic diseases. Identifiers: MedGen C0950123, MeSH D030342.
Adult hypophosphatasia. Identifiers: Orphanet 247676, Orphanet 436, MedGen C0268413, MONDO:1010154, OMIM 146300, MONDO:0007798.
Childhood hypophosphatasia. Identifiers: Orphanet 247667, Orphanet 436, MedGen C0220743, MONDO:1010168, OMIM 241510, MONDO:0009428.
Infantile hypophosphatasia. Identifiers: Orphanet 247651, Orphanet 436, MedGen C0268412, MONDO:1010169, OMIM 241500, MONDO:0009427.
ALPL-related disorder. Also called: ALPL-related disorders; ALPL-related condition.

Allele frequency attached by ClinVar (database versions not stated): gnomAD 0.00007 and 0.00006; TOPMed 0.00007; gnomAD exomes 0.00016 and 0.00006; ExAC 0.00004.

Submissions 1 to 9 of 15:

Ambry Genetics
Classification: Likely pathogenic for Inborn genetic diseases. Last evaluated: 2026-05-05. Review status: criteria provided, single submitter. Criteria: Ambry Variant Classification Scheme 2023. Collection method: clinical testing. Allele origin: germline.
Comment: The c.575T>C (p.M192T) alteration is located in exon 6 (coding exon 5) of the ALPL gene. This alteration results from a T to C substitution at nucleotide position 575, causing the methionine (M) at amino acid position 192 to be replaced by a threonine (T). Based on data from gnomAD, this allele has an overall frequency of 0.006% (16/251222) total alleles studied. This variant has been identified in the homozygous state and/or in conjunction with other ALPL variant(s) in individual(s) with features consistent with ALPL-related hypophosphatasia; in at least one instance, the variants were identified in trans (Wenkert, 2011; Mornet, 2021). This amino acid position is highly conserved in available vertebrate species. This alteration is predicted to be deleterious by in silico analysis. Based on the available evidence, this alteration is classified as likely pathogenic.

Labcorp Genetics (formerly Invitae), Labcorp
Classification: Pathogenic. Last evaluated: 2026-01-19. Review status: criteria provided, single submitter. Criteria: Invitae Variant Classification Sherloc (09022015). Collection method: clinical testing. Allele origin: germline.
Comment: This sequence change replaces methionine, which is neutral and non-polar, with threonine, which is neutral and polar, at codon 192 of the ALPL protein (p.Met192Thr). This variant is present in population databases (rs765011829, gnomAD 0.01%). This missense change has been observed in individual(s) with hypophosphatasia (PMID: 21713987, 31793067, 32160374). ClinVar contains an entry for this variant (Variation ID: 968006). Invitae Evidence Modeling of protein sequence and biophysical properties (such as structural, functional, and spatial information, amino acid conservation, physicochemical variation, residue mobility, and thermodynamic stability) indicates that this missense variant is expected to disrupt ALPL protein function with a positive predictive value of 95%. For these reasons, this variant has been classified as Pathogenic.

Women's Health and Genetics/Laboratory Corporation of America, LabCorp
Classification: Likely pathogenic for Hypophosphatasia. Last evaluated: 2025-10-29. Review status: criteria provided, single submitter. Criteria: LabCorp Variant Classification Summary - May 2015. Collection method: clinical testing. Allele origin: germline.
Comment: Variant summary: ALPL c.575T>C (p.Met192Thr) results in a non-conservative amino acid change in the encoded protein sequence. Algorithms developed to predict the effect of missense changes on protein structure and function all suggest that this variant is likely to be disruptive. The variant allele was found at a frequency of 6.4e-05 in 251222 control chromosomes (gnomAD). This frequency is not significantly higher than estimated for disease-causing variants in ALPL, allowing no conclusion about variant significance. c.575T>C has been observed in individuals affected with recessive or dominant Hypophosphatasia (e.g., Nielson_2011, Wenkert_2011, Alonso_2020, Del Angel_2020, Io_2020, Alsarraf_2024, Desborough_2021, MacCarrick_2024). These data indicate that the variant is likely to be associated with disease. At least one publication reports experimental evidence evaluating an impact on protein function. The most pronounced variant effect results in approximately 57% of normal activity in transfected cells (Del Angel_2020). The following publications have been ascertained in the context of this evaluation (PMID: 31793067, 32160374, 32390219, 31707452, 21956185, 21713987, 37993691, 33301960, 38702915). ClinVar contains an entry for this variant (Variation ID: 968006). Based on the evidence outlined above, the variant was classified as likely pathogenic for Hypophosphatasia, Autosomal Dominant and Hypophosphatasia, Autosomal Recessive.

Rare Kidney Stone Consortium and the Mayo Clinic Hyperoxaluria Center, Mayo Clinic
Classification: Pathogenic for Adult hypophosphatasia; Infantile hypophosphatasia; Childhood hypophosphatasia. Last evaluated: 2025-10-03. Review status: criteria provided, single submitter. Criteria: ACMG Guidelines, 2015. Collection method: research. Allele origin: germline. Affected: yes. Observed: 1 variant allele.
Comment: ACMG:PM1, PM2, PP2, PP3, PP5

Genomenon, Inc
Classification: Likely pathogenic for Hypophosphatasia. Last evaluated: 2025-08-29. Review status: criteria provided, single submitter. Criteria: Genomenon Sequence Variant Interpretation Standards. Collection method: curation. Allele origin: germline. Affected: yes.
Comment: ALPL c.575T>C is a missense variant that changes the amino acid at residue 192 from Methionine to Threonine. This variant has been observed in at least one proband affected with hypophosphatasia (PMID:38884565;31793067;32160374). Functional studies have been reported;however, the significance of the findings remain unclear (PMID:32160374). It is absent or not present at a significant frequency in gnomAD. In silico models agree that this variant is possibly or probably damaging. In conclusion, we classify p.Met192Thr (ALPL c.575T>C) as a likely pathogenic variant.

Natera, Inc.
Classification: Likely pathogenic for Hypophosphatasia. Last evaluated: 2025-08-26. Review status: criteria provided, single submitter. Criteria: Natera Variant Classification Schema (03/2026). Collection method: clinical testing. Allele origin: germline.
Comment: The c.575T>C variant in ALPL is a missense variant predicted to cause substitution of methionine to threonine at amino acid 192. This variant is rare in the general population with a frequency below the threshold expected for the associated phenotype(s). This variant has been observed in one or more individuals affected with the associated recessive disease, as either homozygous or compound heterozygous with a second variant (PMID: 21713987, 32973344). This variant has been observed in affected individual(s) with monoallelic occurrence (heterozygous/hemizygous) (PMID: 21956185, 33301960, 37993691). Computational prediction algorithms indicate this variant is likely to affect gene or protein function. Given the available evidence, this variant is classified as Likely Pathogenic.

Cambridge Genomics Laboratory, East Genomic Laboratory Hub, NHS Genomic Medicine Service
Classification: Likely pathogenic for Hypophosphataemia or rickets. Last evaluated: 2025-03-27. Review status: criteria provided, single submitter. Criteria: ACGS Best Practice Guidelines for Variant Classification in Rare Disease 2020. Collection method: clinical testing. Allele origin: germline. Affected: yes.
Comment: PS3_Supporting,PM2,PM3,PP3

GeneDx
Classification: Pathogenic. Last evaluated: 2025-03-23. Review status: criteria provided, single submitter. Criteria: GeneDx Variant Classification Process June 2021. Collection method: clinical testing. Allele origin: germline. Affected: yes.
Comment: Published functional studies demonstrate the M192T variant causes mild loss-of-function for this gene compared to wild-type (PMID: 32160374); In silico analysis supports that this missense variant has a deleterious effect on protein structure/function; This variant is associated with the following publications: (PMID: 31707452, 31793067, 21713987, 38702915, 32160374, 21956185)

PreventionGenetics, part of Exact Sciences
Classification: Pathogenic for ALPL-related condition. Last evaluated: 2025-01-29. Review status: criteria provided, single submitter. Criteria: ACMG Guidelines, 2015. Collection method: clinical testing. Allele origin: germline.
Comment: The ALPL c.575T>C variant is predicted to result in the amino acid substitution p.Met192Thr. This variant was reported in addition to another ALPL variant in individuals with autosomal recessive hypophosphatasia (HPP) (Wenkert et al. 2011. PubMed ID: 21713987; Table 6, Michigami et al. 2019. PubMed ID: 31707452) and in individuals with autosomal dominant HPP (Table 3, Nielson et al. 2012. PubMed ID: 21956185; Table 2, Alonso et al. 2020. PubMed ID: 31793067). This variant has been reported in the compound heterozygous state in an infantile case of autosomal recessive hypophosphatasia (Supp. table 2 in Del Angel et al. 2020. PubMed ID: 32160374). This variant was shown to confer mildly reduced enzyme activity via in vitro assay (Del Angel et al. 2020. PubMed ID: 32160374). This variant is reported in 0.011% of alleles in individuals of European (Non-Finnish) descent in gnomAD. This variant is interpreted as pathogenic with variable penetrance and expressivity.